The following is an entry in ClinVar:

ClinVar aggregate classification (germline): Pathogenic (1 of 4 stars; one submission).

Submission:

Labcorp Genetics (formerly Invitae), Labcorp
Classification: Pathogenic. Last evaluated: 2024-02-22. Review status: criteria provided, single submitter. Criteria: Invitae Variant Classification Sherloc (09022015). Collection method: clinical testing. Allele origin: germline.
Comment: This sequence change creates a premature translational stop signal (p.Cys462*) in the LAMC2 gene. It is expected to result in an absent or disrupted protein product. Loss-of-function variants in LAMC2 are known to be pathogenic (PMID: 11907499, 16473856). Information on the frequency of this variant in the gnomAD database is not available, as this variant may be reported differently in the database. This variant has not been reported in the literature in individuals affected with LAMC2-related conditions. For these reasons, this variant has been classified as Pathogenic.

Literature cited by the submitters: PubMed 11907499; PubMed 16473856.

NM_005562.3(LAMC2):c.1386_1396delinsAACCGC (p.Cys462_Asn466delinsTer)

Gene: LAMC2 (laminin subunit gamma 2; plus strand). Cytogenetic location: 1q25.3.
Variant type: Indel.
Coding change: c.1386_1396delinsAACCGC on transcript NM_005562.3 (MANE Select); coding-DNA positions 1386 to 1396, TCCCTGTCATA replaced by AACCGC.
Protein change: p.Cys462_Asn466delinsTer.
Molecular consequence: nonsense.
Genome position (GRCh38, 1-based): chr1:183,227,615-183,227,625, TCCCTGTCATA replaced by AACCGC. VCF-style: chr1-183227615-TCCCTGTCATA-AACCGC. GRCh37 (hg19) VCF-style: chr1-183196750-TCCCTGTCATA-AACCGC.
Other names: c.1386_1396delinsAACCGC, p.Cys462_Asn466delinsTer (NM_018891.3).
Identifiers: ClinVar variation 665097 (VCV000665097.5), dbSNP rs1571530029, ClinGen allele CA915941916.